The following is an entry in ClinVar:

NM_001963.6(EGF):c.1914C>G (p.Ser638Arg)

Gene: EGF (epidermal growth factor; plus strand). Cytogenetic location: 4q25.
Variant type: single nucleotide variant.
Coding change: c.1914C>G on transcript NM_001963.6 (MANE Select); coding-DNA position 1914, C replaced by G.
Protein change: p.Ser638Arg; replaces serine 638 with arginine.
Molecular consequence: missense variant.
Genome position (GRCh38, 1-based): chr4:109,976,096, C>G. VCF-style: chr4-109976096-C-G. GRCh37 (hg19) VCF-style: chr4-110897252-C-G.
Other names: c.1914C>G, p.Ser638Arg (NM_001178130.3); c.1788C>G, p.Ser596Arg (NM_001178131.3, NM_001357021.2); short protein forms S638R, S596R.
Identifiers: ClinVar variation 713095 (VCV000713095.15), dbSNP rs11568992, ClinGen allele CA3043831.

ClinVar aggregate classification (germline): Benign/Likely benign. Review status: criteria provided, multiple submitters, no conflicts (2 of 4 stars). 4 submissions from 4 submitters: Benign (3); Likely benign (1). Last evaluated 2026-02-01.

Conditions:
Renal hypomagnesemia 4. Also called: HYPOMAGNESEMIA, RENAL, NORMOCALCIURIC. Identifiers: Orphanet 34527, MedGen C2673648, MONDO:0012717, OMIM 611718.

Allele frequency attached by ClinVar (database versions not stated): gnomAD exomes 0.00158; gnomAD 0.00559 and 0.00601; TOPMed 0.00623; 1000 Genomes Project 0.00659; 1000 Genomes Project 30x 0.00687; ESP Exome Variant Server 0.00707.
gnomAD v4.1: 1,681 of 1,614,136 alleles (0.1%); highest among the groups gnomAD compares: African/African-American, 2%; 14 homozygotes.

Submissions (5):

Labcorp Genetics (formerly Invitae), Labcorp
Classification: Benign. Last evaluated: 2026-02-01. Review status: criteria provided, single submitter. Criteria: Invitae Variant Classification Sherloc (09022015). Collection method: clinical testing. Allele origin: germline.

GeneDx
Classification: Likely benign. Last evaluated: 2025-02-05. Review status: criteria provided, single submitter. Criteria: GeneDx Variant Classification Process June 2021. Collection method: clinical testing. Allele origin: germline. Affected: yes.
Comment: See Variant Classification Assertion Criteria.

Illumina Laboratory Services, Illumina
Classification: Benign for Renal hypomagnesemia 4. Last evaluated: 2018-01-12. Review status: criteria provided, single submitter. Criteria: ICSL Variant Classification Criteria 13 December 2019. Collection method: clinical testing. Allele origin: germline.
Comment: This variant was observed in the ICSL laboratory as part of a predisposition screen in an ostensibly healthy population. It had not been previously curated by ICSL or reported in the Human Gene Mutation Database (HGMD: prior to June 1st, 2018), and was therefore a candidate for classification through an automated scoring system. Utilizing variant allele frequency, disease prevalence and penetrance estimates, and inheritance mode, an automated score was calculated to assess if this variant is too frequent to cause the disease. Based on the score and internal cut-off values, a variant classified as benign is not then subjected to further curation. The score for this variant resulted in a classification of benign for this disease.

Breakthrough Genomics
Classification: Benign. Review status: criteria provided, single submitter. Criteria: ACMG Guidelines, 2015. Collection method: not provided. Allele origin: germline. Inheritance: Autosomal recessive inheritance. Affected: yes.

Dr. Peter K. Rogan Lab, Western University
No classification provided (evidence only). Condition: Uterine corpus endometrial carcinoma. Review status: no classification provided. Collection method: in vitro. Allele origin: not applicable. Functional consequence: retained intron. Not counted in ClinVar's aggregate classification.